The following is an entry in ClinVar:

NM_000091.5(COL4A3):c.467del (p.Lys156fs)

Genes: COL4A3 (collagen type IV alpha 3 chain; plus strand), MFF-DT (MFF divergent transcript; minus strand). Cytogenetic location: 2q36.3.
Variant type: Deletion.
Coding change: c.467del on transcript NM_000091.5 (MANE Select); coding-DNA position 467, one base deleted (A; older notation c.467delA).
Protein change: p.Lys156fs; shifts the reading frame from lysine 156.
Molecular consequence: frameshift variant.
Genome position (GRCh38, 1-based): chr2:227,247,583, A deleted; the last of 4 consecutive A bases (chr2:227,247,580-227,247,583); deleting any one gives the same sequence. VCF-style (leftmost placement, unchanged base first): chr2-227247579-CA-C. GRCh37 (hg19) VCF-style: chr2-228112295-CA-C.
Other names: p.Lys156Argfs*10; short protein forms K156fs.
Identifiers: ClinVar variation 1070841 (VCV001070841.9), dbSNP rs2125914087, ClinGen allele CA2499215742.
Genomic context (GRCh38, chr2:227,247,579, plus strand): 5'-GATATTCCTCTAGTTGTTCATAGGTTGCTTTTTTCCTAGGGTGCTGCTGGTTTGAAAGGA[CA>C]AAAGGTAAGTCATTGGTGGAATGCTGTCACTGAAAATCTCTAACTGTACATATGAAAAGG-3'

ClinVar aggregate classification (germline): Pathogenic. Review status: criteria provided, multiple submitters, no conflicts (2 of 4 stars). 3 submissions from 3 submitters: Pathogenic (3). Last evaluated 2026-03-27.

Conditions:
Alport syndrome 3b, autosomal recessive. Identifiers: MedGen C5882699, MONDO:0957811, OMIM 620536.

Submissions (3):

Centre de Génétique Humaine, Institut de Pathologie Et de Génétique
Classification: Pathogenic for Alport syndrome 3b, autosomal recessive. Last evaluated: 2026-03-27. Review status: criteria provided, single submitter. Criteria: ACMG Guidelines, 2015. Collection method: clinical testing. Allele origin: germline. Inheritance: Autosomal recessive inheritance. Affected: yes. Observed: 1 variant allele, 1 homozygote. Segregation with disease not observed.
Comment: This 1 bp deletion is a frameshift variant predicted to result in protein truncation or nonsense mediated decay in a gene for which loss-of-function is a known mechanism of disease (PVS1). This variant is rare: allelic frequency of 0.000062% in gnomAD v4.1.0 database (PM2). Described in AR Alport Syndrome in CLinVar (PP5)

Genomic Medicine Center of Excellence, King Faisal Specialist Hospital and Research Centre
Classification: Pathogenic for Alport syndrome 3b, autosomal recessive. Last evaluated: 2025-09-10. Review status: criteria provided, single submitter. Criteria: ACMG Guidelines, 2015. Collection method: clinical testing. Allele origin: germline.

Labcorp Genetics (formerly Invitae), Labcorp
Classification: Pathogenic. Last evaluated: 2020-10-26. Review status: criteria provided, single submitter. Criteria: Invitae Variant Classification Sherloc (09022015). Collection method: clinical testing. Allele origin: germline.
Comment: This sequence change creates a premature translational stop signal (p.Lys156Argfs*10) in the COL4A3 gene. It is expected to result in an absent or disrupted protein product. Loss-of-function variants in COL4A3 are known to be pathogenic (PMID: 8956999, 24854265, 26809805, 27281700). This variant is not present in population databases (ExAC no frequency). This variant has not been reported in the literature in individuals with COL4A3-related conditions. For these reasons, this variant has been classified as Pathogenic.

Literature cited by the submitters: PubMed 8956999 (cited by Labcorp Genetics (formerly Invitae), Labcorp); PubMed 24854265 (cited by Labcorp Genetics (formerly Invitae), Labcorp); PubMed 26809805 (cited by Labcorp Genetics (formerly Invitae), Labcorp); PubMed 27281700 (cited by Labcorp Genetics (formerly Invitae), Labcorp).